The following is an entry in ClinVar:

ClinVar aggregate classification (germline): Uncertain significance (1 of 4 stars; one submission).

Conditions:
ASXL3-related disorder. Also called: ASXL3-related condition. Identifiers: MedGen CN381524.

Submission:

PreventionGenetics, part of Exact Sciences
Classification: Uncertain significance for ASXL3-related condition. Last evaluated: 2026-06-05. Review status: criteria provided, single submitter. Criteria: ACMG Guidelines, 2015. Collection method: clinical testing. Allele origin: germline.
Comment: The ASXL3 c.1301T>C variant is predicted to result in the amino acid substitution p.Met434Thr. To our knowledge, this variant has not been reported in the literature or in a large population database (gnomAD), indicating this variant is rare. At this time, the clinical significance of this variant is uncertain due to the absence of conclusive functional and genetic evidence.

NM_030632.3(ASXL3):c.1301T>C (p.Met434Thr)

Gene: ASXL3 (ASXL transcriptional regulator 3; plus strand). Cytogenetic location: 18q12.1.
Variant type: single nucleotide variant.
Coding change: c.1301T>C on transcript NM_030632.3 (MANE Select); coding-DNA position 1301, T replaced by C.
Protein change: p.Met434Thr; replaces methionine 434 with threonine.
Molecular consequence: missense variant.
Genome position (GRCh38, 1-based): chr18:33,738,705, T>C. VCF-style: chr18-33738705-T-C. GRCh37 (hg19) VCF-style: chr18-31318669-T-C.
Other names: short protein forms M434T.
Identifiers: ClinVar variation 5000134 (VCV005000134.1).